The following is an entry in ClinVar:

ClinVar aggregate classification (germline): Uncertain significance. Review status: criteria provided, multiple submitters, no conflicts (2 of 4 stars). 3 submissions from 3 submitters: Uncertain significance (3). Last evaluated 2026-01-01.

Allele frequency attached by ClinVar (database versions not stated): gnomAD 0.00011; 1000 Genomes Project 30x 0.00031; 1000 Genomes Project 0.00040.
gnomAD v4.1: 131 of 1,605,780 alleles (0.0082%); highest among the groups gnomAD compares: East Asian, 0.036%; no homozygotes.

Submissions (3):

Labcorp Genetics (formerly Invitae), Labcorp
Classification: Uncertain significance. Last evaluated: 2026-01-01. Review status: criteria provided, single submitter. Criteria: Invitae Variant Classification Sherloc (09022015). Collection method: clinical testing. Allele origin: germline.
Comment: This sequence change replaces glutamic acid, which is acidic and polar, with alanine, which is neutral and non-polar, at codon 290 of the DHX32 protein (p.Glu290Ala). This variant is present in population databases (rs34050865, gnomAD 0.1%), and has an allele count higher than expected for a pathogenic variant. This variant has not been reported in the literature in individuals affected with DHX32-related conditions. ClinVar contains an entry for this variant (Variation ID: 1916641). An algorithm developed to predict the effect of missense changes on protein structure and function (PolyPhen-2) suggests that this variant is likely to be tolerated. In summary, the available evidence is currently insufficient to determine the role of this variant in disease. Therefore, it has been classified as a Variant of Uncertain Significance.

Ambry Genetics
Classification: Uncertain significance. Last evaluated: 2025-08-05. Review status: criteria provided, single submitter. Criteria: Ambry Variant Classification Scheme 2023. Collection method: clinical testing. Allele origin: germline.

Breakthrough Genomics
Classification: Uncertain significance. Review status: criteria provided, single submitter. Criteria: ACMG Guidelines, 2015. Collection method: not provided. Allele origin: germline. Inheritance: Unknown mechanism. Affected: yes.

NM_018180.3(DHX32):c.869A>C (p.Glu290Ala)

Gene: DHX32 (DEAH-box helicase 32 (putative); minus strand). Cytogenetic location: 10q26.2.
Variant type: single nucleotide variant.
Coding change: c.869A>C on transcript NM_018180.3 (MANE Select); coding-DNA position 869, A replaced by C.
Protein change: p.Glu290Ala; replaces glutamic acid 290 with alanine.
Molecular consequence: missense variant.
Genome position (GRCh38, 1-based): chr10:125,854,184, T>G on the plus strand (A>C on the coding strand, the complement: DHX32 is on the minus strand). VCF-style: chr10-125854184-T-G. GRCh37 (hg19) VCF-style: chr10-127542753-T-G.
Other names: c.869A>C (NM_018180.2); short protein forms E290A.
Identifiers: ClinVar variation 1916641 (VCV001916641.7), dbSNP rs34050865, ClinGen allele CA5739357.